The following is an entry in ClinVar:

ClinVar aggregate classification (germline): Uncertain significance. Review status: criteria provided, multiple submitters, no conflicts (2 of 4 stars). 2 submissions from 2 submitters: Uncertain significance (2). Last evaluated 2023-11-27.

Allele frequency attached by ClinVar (database versions not stated): TOPMed 0.00001.

Submissions (2):

Labcorp Genetics (formerly Invitae), Labcorp
Classification: Uncertain significance. Last evaluated: 2023-11-27. Review status: criteria provided, single submitter. Criteria: Invitae Variant Classification Sherloc (09022015). Collection method: clinical testing. Allele origin: germline.
Comment: This sequence change replaces proline, which is neutral and non-polar, with leucine, which is neutral and non-polar, at codon 353 of the A2ML1 protein (p.Pro353Leu). This variant is present in population databases (no rsID available, gnomAD 0.003%). This variant has not been reported in the literature in individuals affected with A2ML1-related conditions. ClinVar contains an entry for this variant (Variation ID: 2417746). An algorithm developed to predict the effect of missense changes on protein structure and function (PolyPhen-2) suggests that this variant is likely to be tolerated. In summary, the available evidence is currently insufficient to determine the role of this variant in disease. Therefore, it has been classified as a Variant of Uncertain Significance.

Ambry Genetics
Classification: Uncertain significance. Last evaluated: 2023-06-18. Review status: criteria provided, single submitter. Criteria: Ambry Variant Classification Scheme 2023. Collection method: clinical testing. Allele origin: germline.
Comment: The p.P353L variant (also known as c.1058C>T), located in coding exon 10 of the A2ML1 gene, results from a C to T substitution at nucleotide position 1058. The proline at codon 353 is replaced by leucine, an amino acid with similar properties. This amino acid position is conserved. In addition, this alteration is predicted to be tolerated by in silico analysis. Since supporting evidence is limited at this time, the clinical significance of this alteration remains unclear.

NM_144670.6(A2ML1):c.1058C>T (p.Pro353Leu)

Gene: A2ML1 (alpha-2-macroglobulin like 1; plus strand). Cytogenetic location: 12p13.31.
Variant type: single nucleotide variant.
Coding change: c.1058C>T on transcript NM_144670.6 (MANE Select); coding-DNA position 1058, C replaced by T.
Protein change: p.Pro353Leu; replaces proline 353 with leucine.
Molecular consequence: missense variant.
Genome position (GRCh38, 1-based): chr12:8,839,200, C>T. VCF-style: chr12-8839200-C-T. GRCh37 (hg19) VCF-style: chr12-8991796-C-T.
Other names: c.1058C>T (NM_144670.3); short protein forms P353L.
Identifiers: ClinVar variation 2417746 (VCV002417746.7), dbSNP rs1382470056, ClinGen allele CA383823768.
Genomic context (GRCh38, chr12:8,839,200, plus strand): 5'-TCTACATTTCTCCACAAATGGGATCAATGACCTTTGAAGACACCAGCAATTTTTACCATC[C>T]AAATTTCCCCTTCAGTGGGAAGGTATGTTAAAACTTTTCTCTGCATAGACAAAAAAATGC-3'
Protein context (NP_653271.3, residues 343-363): TFEDTSNFYH[Pro353Leu]NFPFSGKIRV